The following is an entry in ClinVar:

ClinVar aggregate classification (germline): Uncertain significance (1 of 4 stars; one submission).

Submission:

Labcorp Genetics (formerly Invitae), Labcorp
Classification: Uncertain significance. Last evaluated: 2022-08-31. Review status: criteria provided, single submitter. Criteria: Invitae Variant Classification Sherloc (09022015). Collection method: clinical testing. Allele origin: germline.
Comment: Algorithms developed to predict the effect of missense changes on protein structure and function output the following: SIFT: "Tolerated"; PolyPhen-2: "Benign"; Align-GVGD: "Class C0". The valine amino acid residue is found in multiple mammalian species, which suggests that this missense change does not adversely affect protein function. ClinVar contains an entry for this variant (Variation ID: 1430660). This variant has not been reported in the literature in individuals affected with TMEM107-related conditions. This variant is not present in population databases (gnomAD no frequency). This sequence change replaces leucine, which is neutral and non-polar, with valine, which is neutral and non-polar, at codon 56 of the TMEM107 protein (p.Leu56Val). Algorithms developed to predict the effect of sequence changes on RNA splicing suggest that this variant may disrupt the consensus splice site. In summary, the available evidence is currently insufficient to determine the role of this variant in disease. Therefore, it has been classified as a Variant of Uncertain Significance.

NM_183065.4(TMEM107):c.156-8C>G

Genes: TMEM107 (transmembrane protein 107; minus strand), LOC105371520 (uncharacterized LOC105371520; plus strand). Cytogenetic location: 17p13.1.
Variant type: single nucleotide variant.
Coding change: c.156-8C>G on transcript NM_183065.4 (MANE Select); 8 bases into the intron before coding-DNA position 156, C replaced by G.
Molecular consequence: intron variant. On other transcripts: missense variant (2).
Genome position (GRCh38, 1-based): chr17:8,175,865, G>C on the plus strand (C>G on the coding strand, the complement: TMEM107 is on the minus strand). VCF-style: chr17-8175865-G-C. GRCh37 (hg19) VCF-style: chr17-8079183-G-C.
Other names: c.166C>G, p.Leu56Val (NM_001351278.2, NM_032354.5); c.155+94C>G (NM_001351280.2); c.156-8C>G (NM_001351279.2); short protein forms L56V.
Identifiers: ClinVar variation 1430660 (VCV001430660.6), dbSNP rs2151451070, ClinGen allele CA397970693.